The following is an entry in ClinVar:

NM_001364905.1(LRBA):c.2570G>A (p.Arg857Lys)

Gene: LRBA (LPS responsive beige-like anchor protein; minus strand). Cytogenetic location: 4q31.3.
Variant type: single nucleotide variant.
Coding change: c.2570G>A on transcript NM_001364905.1 (MANE Select); coding-DNA position 2570, G replaced by A.
Protein change: p.Arg857Lys; replaces arginine 857 with lysine.
Molecular consequence: missense variant.
Genome position (GRCh38, 1-based): chr4:150,868,185, C>T on the plus strand (G>A on the coding strand, the complement: LRBA is on the minus strand). VCF-style: chr4-150868185-C-T. GRCh37 (hg19) VCF-style: chr4-151789337-C-T.
Other names: c.2570G>A, p.Arg857Lys (NM_001199282.3, NM_001367550.1, NM_006726.5); short protein forms R857K.
Identifiers: ClinVar variation 863474 (VCV000863474.10), dbSNP rs1752972838, ClinGen allele CA358465160.
Genomic context (GRCh38, chr4:150,868,185, plus strand): 5'-GGCTTATACAAAAGTACATTTGAATACTGCAAATAAATGCTTTCTGATTCAGCTTACCTC[C>T]TGTTTTCTCTACTGTTATTAAAAAGTTTAATCATGTCAGAAAGAAAGGCTCTGCGAACCT-3'
Protein context (NP_001351834.1, residues 847-867): IKLFNNSREN[Arg857Lys]RSLLQCSVWQ

ClinVar aggregate classification (germline): Uncertain significance (1 of 4 stars; one submission).

Conditions:
Combined immunodeficiency due to LRBA deficiency. Also called: Common variable immunodeficiency 8, with autoimmunity. Identifiers: Orphanet 445018, MedGen C3553512, MONDO:0013863, OMIM 614700.

Submission:

Labcorp Genetics (formerly Invitae), Labcorp
Classification: Uncertain significance for Combined immunodeficiency due to LRBA deficiency. Last evaluated: 2019-12-22. Review status: criteria provided, single submitter. Criteria: Invitae Variant Classification Sherloc (09022015). Collection method: clinical testing. Allele origin: germline.
Comment: In summary, the available evidence is currently insufficient to determine the role of this variant in disease. Therefore, it has been classified as a Variant of Uncertain Significance. Algorithms developed to predict the effect of missense changes on protein structure and function are either unavailable or do not agree on the potential impact of this missense change (SIFT: "Tolerated"; PolyPhen-2: "Probably Damaging"; Align-GVGD: "Class C0"). This variant has not been reported in the literature in individuals with LRBA-related conditions. This variant is not present in population databases (ExAC no frequency). This sequence change replaces arginine with lysine at codon 857 of the LRBA protein (p.Arg857Lys). The arginine residue is moderately conserved and there is a small physicochemical difference between arginine and lysine.